The following is an entry in ClinVar:

NM_016269.5(LEF1):c.845+14C>T

Gene: LEF1 (lymphoid enhancer binding factor 1; minus strand). Cytogenetic location: 4q25.
Variant type: single nucleotide variant.
Coding change: c.845+14C>T on transcript NM_016269.5 (MANE Select); 14 bases into the intron after coding-DNA position 845, C replaced by T.
Molecular consequence: intron variant.
Genome position (GRCh38, 1-based): chr4:108,079,478, G>A on the plus strand (C>T on the coding strand, the complement: LEF1 is on the minus strand). VCF-style: chr4-108079478-G-A. GRCh37 (hg19) VCF-style: chr4-109000634-G-A.
Other names: c.761+14C>T (NM_001130714.3, NM_001130713.3); c.557+14C>T (NM_001166119.2).
Identifiers: ClinVar variation 3054641 (VCV003054641.2), dbSNP rs372432542, ClinGen allele CA3037846.

ClinVar aggregate classification (germline): Likely benign (0 of 4 stars; one submission).

Conditions:
LEF1-related disorder. Also called: LEF1-related condition.

Allele frequency attached by ClinVar (database versions not stated): TOPMed 0.00001; ESP Exome Variant Server 0.00008.
gnomAD v4.1: 23 of 1,613,888 alleles (0.0014%); highest among the groups gnomAD compares: Non-Finnish European, 0.0017%; no homozygotes.

Submission:

PreventionGenetics, part of Exact Sciences
Classification: Likely benign for LEF1-related condition. Last evaluated: 2022-02-01. Review status: no assertion criteria provided. Collection method: clinical testing. Allele origin: germline.
Comment: This variant is classified as likely benign based on ACMG/AMP sequence variant interpretation guidelines (Richards et al. 2015 PMID: 25741868, with internal and published modifications).